The following is an entry in ClinVar:

NM_032043.3(BRIP1):c.3038C>G (p.Thr1013Ser)

Gene: BRIP1 (BRCA1 interacting DNA helicase 1; minus strand). Cytogenetic location: 17q23.2.
Variant type: single nucleotide variant.
Coding change: c.3038C>G on transcript NM_032043.3 (MANE Select); coding-DNA position 3038, C replaced by G.
Protein change: p.Thr1013Ser; replaces threonine 1013 with serine.
Molecular consequence: missense variant.
Genome position (GRCh38, 1-based): chr17:61,684,008, G>C on the plus strand (C>G on the coding strand, the complement: BRIP1 is on the minus strand). VCF-style: chr17-61684008-G-C. GRCh37 (hg19) VCF-style: chr17-59761369-G-C.
Other names: short protein forms T1013S.
Identifiers: ClinVar variation 822681 (VCV000822681.4), dbSNP rs1372474933, ClinGen allele CA400479935.
Genomic context (GRCh38, chr17:61,684,008, plus strand): 5'-GGACTAGAGGCACTATTCTCTGATGACCCGAGCTCAGGTGTTGCCTTCGGTATTTTACCA[G>C]TAAAATACTGTCCCAAAGAATTAAAGCTTGACCAGCTAACTCTCTTTGTTTGTTTGTTGA-3'
Protein context (NP_114432.2, residues 1003-1023): SSFNSLGQYF[Thr1013Ser]GKIPKATPEL

ClinVar aggregate classification (germline): Uncertain significance (1 of 4 stars; one submission).

Conditions:
Hereditary cancer-predisposing syndrome. Also called: Tumor predisposition; Hereditary Cancer Syndrome; Neoplastic Syndromes, Hereditary; Hereditary neoplastic syndrome. Identifiers: Orphanet 140162, MedGen C0027672, MeSH D009386, MONDO:0015356.

Submission:

Ambry Genetics
Classification: Uncertain significance for Hereditary cancer-predisposing syndrome. Last evaluated: 2019-05-23. Review status: criteria provided, single submitter. Criteria: Ambry Variant Classification Scheme 2023. Collection method: clinical testing. Allele origin: germline.
Comment: The p.T1013S variant (also known as c.3038C>G), located in coding exon 19 of the BRIP1 gene, results from a C to G substitution at nucleotide position 3038. The threonine at codon 1013 is replaced by serine, an amino acid with similar properties. This amino acid position is not well conserved in available vertebrate species. In addition, this alteration is predicted to be tolerated by in silico analysis. Since supporting evidence is limited at this time, the clinical significance of this alteration remains unclear.